The following is an entry in ClinVar:

NM_007294.4(BRCA1):c.5248_5249insTC (p.Lys1750fs)

Gene: BRCA1 (BRCA1 DNA repair associated; minus strand). Cytogenetic location: 17q21.31.
Variant type: Insertion.
Coding change: c.5248_5249insTC on transcript NM_007294.4 (MANE Select); coding-DNA positions 5248 to 5249, TC inserted.
Protein change: p.Lys1750fs; shifts the reading frame from lysine 1750.
Molecular consequence: frameshift variant. On other transcripts: non-coding transcript variant (1).
Genome position: GRCh38 VCF-style: chr17-43057080-T-TGA. GRCh37 (hg19) VCF-style: chr17-41209097-T-TGA.
Other names: c.5035_5036insTC, p.Lys1679Ilefs (NM_001407571.1, NM_001407894.1, NM_001407895.1 and 12 more transcripts); c.5314_5315insTC, p.Lys1772Ilefs (NM_001407581.1, NM_001407582.1); c.5311_5312insTC, p.Lys1771Ilefs (NM_001407583.1, NM_001407585.1, NM_001407587.1); c.5308_5309insTC, p.Lys1770Ilefs (NM_001407590.1, NM_001407591.1); c.5248_5249insTC, p.Lys1750Ilefs (NM_001407593.1, NM_001407594.1, NM_001407596.1 and 7 more transcripts); c.5245_5246insTC, p.Lys1749Ilefs (NM_001407610.1, NM_001407611.1, NM_001407612.1 and 17 more transcripts); c.5242_5243insTC, p.Lys1748Ilefs (NM_001407627.1, NM_001407628.1, NM_001407629.1 and 14 more transcripts); c.5239_5240insTC, p.Lys1747Ilefs (NM_001407644.1, NM_001407645.1); and 75 more; short protein forms K1703fs, K1750fs, K1771fs, K646fs.
Identifiers: ClinVar variation 548214 (VCV000548214.2), dbSNP rs1555576871, ClinGen allele CA658824712.

ClinVar aggregate classification (germline): Pathogenic (3 of 4 stars; one submission).

Conditions:
Breast-ovarian cancer, familial, susceptibility to, 1 (BROVCA1). Also called: BRCA1 Hereditary Breast and Ovarian Cancer; OVARIAN CANCER, SUSCEPTIBILITY TO. Identifiers: Orphanet 145, MedGen C2676676, MONDO:0011450, OMIM 604370. Disease mechanism: loss of function.

Submission:

Evidence-based Network for the Interpretation of Germline Mutant Alleles (ENIGMA)
Classification: Pathogenic for Breast-ovarian cancer, familial, susceptibility to, 1. Last evaluated: 2017-12-15. Review status: reviewed by expert panel. Criteria: ENIGMA BRCA1/2 Classification Criteria (2017-06-29). Collection method: curation. Allele origin: germline. Study: ENIGMA.
Comment: Variant allele predicted to encode a truncated non-functional protein.